The following is an entry in ClinVar:

ClinVar aggregate classification (germline): Likely pathogenic (1 of 4 stars; one submission).

Allele frequency attached by ClinVar (database versions not stated): gnomAD exomes below 0.00001; gnomAD 0.00002; TOPMed 0.00002.
gnomAD v4.1: 4 of 1,551,268 alleles (0.00026%); highest among the groups gnomAD compares: African/African-American, 0.0055%; no homozygotes.

Submission:

Labcorp Genetics (formerly Invitae), Labcorp
Classification: Likely pathogenic. Last evaluated: 2025-01-06. Review status: criteria provided, single submitter. Criteria: Invitae Variant Classification Sherloc (09022015). Collection method: clinical testing. Allele origin: germline.
Comment: This sequence change affects a donor splice site in intron 1 of the OBSL1 gene. It is expected to disrupt RNA splicing. Variants that disrupt the donor or acceptor splice site typically lead to a loss of protein function (PMID: 16199547), and loss-of-function variants in OBSL1 are known to be pathogenic (PMID: 19481195, 19877176). The frequency data for this variant in the population databases is considered unreliable, as metrics indicate poor data quality at this position in the gnomAD database. Disruption of this splice site has been observed in individual(s) with 3-M syndrome (PMID: 28973083). ClinVar contains an entry for this variant (Variation ID: 2734399). Algorithms developed to predict the effect of sequence changes on RNA splicing suggest that this variant may disrupt the consensus splice site. In summary, the currently available evidence indicates that the variant is pathogenic, but additional data are needed to prove that conclusively. Therefore, this variant has been classified as Likely Pathogenic.

Literature cited by the submitters: PubMed 16199547; PubMed 19481195; PubMed 19877176; PubMed 28973083.

NM_015311.3(OBSL1):c.1012+1G>T

Gene: OBSL1 (obscurin like cytoskeletal adaptor 1; minus strand). Cytogenetic location: 2q35.
Variant type: single nucleotide variant.
Coding change: c.1012+1G>T on transcript NM_015311.3 (MANE Select); the canonical splice donor site of the intron after coding-DNA position 1012, G replaced by T.
Molecular consequence: splice donor variant.
Genome position (GRCh38, 1-based): chr2:219,570,220, C>A on the plus strand (G>T on the coding strand, the complement: OBSL1 is on the minus strand). VCF-style: chr2-219570220-C-A. GRCh37 (hg19) VCF-style: chr2-220434942-C-A.
Other names: c.1012+1G>T (NM_001173431.2, NM_001173408.2).
Identifiers: ClinVar variation 2734399 (VCV002734399.3), dbSNP rs973469781, ClinGen allele CA66038687.